The following is an entry in ClinVar:

NM_001375405.1(CEP120):c.499A>G (p.Ile167Val)

Gene: CEP120 (centrosomal protein 120; minus strand). Cytogenetic location: 5q23.2.
Variant type: single nucleotide variant.
Coding change: c.499A>G on transcript NM_001375405.1 (MANE Select); coding-DNA position 499, A replaced by G.
Protein change: p.Ile167Val; replaces isoleucine 167 with valine.
Molecular consequence: missense variant. On other transcripts: 5 prime UTR variant (2), non-coding transcript variant (1).
Genome position (GRCh38, 1-based): chr5:123,399,249, T>C on the plus strand (A>G on the coding strand, the complement: CEP120 is on the minus strand). VCF-style: chr5-123399249-T-C. GRCh37 (hg19) VCF-style: chr5-122734943-T-C.
Other names: c.421A>G, p.Ile141Val (NM_001166226.2); c.499A>G, p.Ile167Val (NM_001375406.1, NM_001375407.1, NM_153223.4); c.-75A>G (NM_001375408.1, NM_001375409.1); short protein forms I167V, I141V.
Identifiers: ClinVar variation 863314 (VCV000863314.5), dbSNP rs200059033, ClinGen allele CA3387205.

ClinVar aggregate classification (germline): Uncertain significance. Review status: criteria provided, multiple submitters, no conflicts (2 of 4 stars). 2 submissions from 2 submitters: Uncertain significance (2). Last evaluated 2021-11-08.

Conditions:
Short-rib thoracic dysplasia 13 with or without polydactyly (SRTD13). Identifiers: Orphanet 474, MedGen C4225378, MONDO:0014577, OMIM 616300.

Allele frequency attached by ClinVar (database versions not stated): gnomAD exomes 0.00003 and 0.00004; ExAC 0.00005; gnomAD 0.00006 and 0.00007; TOPMed 0.00006; 1000 Genomes Project 30x 0.00031; 1000 Genomes Project 0.00040.
gnomAD v4.1: 51 of 1,614,166 alleles (0.0032%); highest among the groups gnomAD compares: Admixed American, 0.052%; 1 homozygote.

Submissions (2):

Labcorp Genetics (formerly Invitae), Labcorp
Classification: Uncertain significance for Short-rib thoracic dysplasia 13 with or without polydactyly. Last evaluated: 2021-11-08. Review status: criteria provided, single submitter. Criteria: Invitae Variant Classification Sherloc (09022015). Collection method: clinical testing. Allele origin: germline.
Comment: This sequence change replaces isoleucine, which is neutral and non-polar, with valine, which is neutral and non-polar, at codon 167 of the CEP120 protein (p.Ile167Val). This variant is present in population databases (rs200059033, gnomAD 0.02%), including at least one homozygous and/or hemizygous individual. This variant has not been reported in the literature in individuals affected with CEP120-related conditions. ClinVar contains an entry for this variant (Variation ID: 863314). Algorithms developed to predict the effect of missense changes on protein structure and function output the following: SIFT: "Tolerated"; PolyPhen-2: "Benign"; Align-GVGD: "Class C0". The valine amino acid residue is found in multiple mammalian species, which suggests that this missense change does not adversely affect protein function. In summary, the available evidence is currently insufficient to determine the role of this variant in disease. Therefore, it has been classified as a Variant of Uncertain Significance.

Breakthrough Genomics
Classification: Uncertain significance. Review status: criteria provided, single submitter. Criteria: ACMG Guidelines, 2015. Collection method: not provided. Allele origin: germline. Inheritance: Autosomal recessive inheritance. Affected: yes.